The following is an entry in ClinVar:

ClinVar aggregate classification (germline): Uncertain significance (1 of 4 stars; one submission).

Conditions:
Hereditary cancer-predisposing syndrome. Also called: Neoplastic Syndromes, Hereditary; Tumor predisposition; Hereditary Cancer Syndrome; Hereditary neoplastic syndrome. Identifiers: Orphanet 140162, MedGen C0027672, MeSH D009386, MONDO:0015356.

Allele frequency attached by ClinVar (database versions not stated): gnomAD exomes below 0.00001.
gnomAD v4.1: 1 of 1,613,920 alleles (0.000062%); highest among the groups gnomAD compares: Non-Finnish European, 0.000085%; no homozygotes.

Submission:

Color Diagnostics, LLC DBA Color Health
Classification: Uncertain significance for Hereditary cancer-predisposing syndrome. Last evaluated: 2024-03-06. Review status: criteria provided, single submitter. Criteria: ACMG Guidelines, 2015. Collection method: clinical testing. Allele origin: germline.
Comment: This missense variant replaces serine with leucine at codon 1056 of the ATM protein. Computational prediction suggests that this variant may not impact protein structure and function (internally defined REVEL score threshold <= 0.5, PMID: 27666373). To our knowledge, functional studies have not been reported for this variant. This variant has not been reported in individuals affected with hereditary cancer in the literature. This variant has not been identified in the general population by the Genome Aggregation Database (gnomAD). The available evidence is insufficient to determine the role of this variant in disease conclusively. Therefore, this variant is classified as a Variant of Uncertain Significance.

NM_000051.4(ATM):c.3167C>T (p.Ser1056Leu)

Gene: ATM (ATM serine/threonine kinase; plus strand). Cytogenetic location: 11q22.3.
Variant type: single nucleotide variant.
Coding change: c.3167C>T on transcript NM_000051.4 (MANE Select); coding-DNA position 3167, C replaced by T.
Protein change: p.Ser1056Leu; replaces serine 1056 with leucine.
Molecular consequence: missense variant.
Genome position (GRCh38, 1-based): chr11:108,272,735, C>T. VCF-style: chr11-108272735-C-T. GRCh37 (hg19) VCF-style: chr11-108143462-C-T.
Other names: c.3167C>T, p.Ser1056Leu (NM_001351834.2); short protein forms S1056L.
Identifiers: ClinVar variation 2774502 (VCV002774502.2), dbSNP rs1565428419, ClinGen allele CA382515555.